The following is an entry in ClinVar:

ClinVar aggregate classification (germline): Benign. Review status: criteria provided, multiple submitters, no conflicts (2 of 4 stars). 2 submissions from 2 submitters: Benign (2). Last evaluated 2026-01-17.

Conditions:
Corneal dystrophy. Identifiers: Orphanet 34533, MedGen C0010036, MONDO:0018102, HP:0001131.

Allele frequency attached by ClinVar (database versions not stated): gnomAD exomes 0.00414 and 0.01117; ExAC 0.01269; ESP Exome Variant Server 0.01565; gnomAD 0.02072 and 0.02094; TOPMed 0.02328; 1000 Genomes Project 0.03614; 1000 Genomes Project 30x 0.03685.
gnomAD v4.1: 9,489 of 1,596,446 alleles (0.59%); highest among the groups gnomAD compares: East Asian, 6.9%; 257 homozygotes.

Submissions (31):

Labcorp Genetics (formerly Invitae), Labcorp
Classification: Benign. Last evaluated: 2026-01-17. Review status: criteria provided, single submitter. Criteria: Invitae Variant Classification Sherloc (09022015). Collection method: clinical testing. Allele origin: germline.

Illumina Laboratory Services, Illumina
Classification: Benign for Corneal dystrophy. Last evaluated: 2018-01-13. Review status: criteria provided, single submitter. Criteria: ICSL Variant Classification Criteria 13 December 2019. Collection method: clinical testing. Allele origin: germline.
Comment: This variant was observed in the ICSL laboratory as part of a predisposition screen in an ostensibly healthy population. It had not been previously curated by ICSL or reported in the Human Gene Mutation Database (HGMD: prior to June 1st, 2018), and was therefore a candidate for classification through an automated scoring system. Utilizing variant allele frequency, disease prevalence and penetrance estimates, and inheritance mode, an automated score was calculated to assess if this variant is too frequent to cause the disease. Based on the score and internal cut-off values, a variant classified as benign is not then subjected to further curation. The score for this variant resulted in a classification of benign for this disease.

Dr. Peter K. Rogan Lab, Western University
No classification provided (evidence only). Condition: Clear cell carcinoma of kidney. Review status: no classification provided. Collection method: in vitro. Allele origin: not applicable. Functional consequence: retained intron. Not counted in ClinVar's aggregate classification.

Dr. Peter K. Rogan Lab, Western University
No classification provided (evidence only). Condition: Clear cell carcinoma of kidney. Review status: no classification provided. Collection method: in vitro. Allele origin: not applicable. Functional consequence: retained intron. Not counted in ClinVar's aggregate classification.

Dr. Peter K. Rogan Lab, Western University
No classification provided (evidence only). Condition: Clear cell carcinoma of kidney. Review status: no classification provided. Collection method: in vitro. Allele origin: not applicable. Functional consequence: retained intron. Not counted in ClinVar's aggregate classification.

Dr. Peter K. Rogan Lab, Western University
No classification provided (evidence only). Condition: Lung cancer. Review status: no classification provided. Collection method: in vitro. Allele origin: not applicable. Functional consequence: retained intron. Not counted in ClinVar's aggregate classification.

Dr. Peter K. Rogan Lab, Western University
No classification provided (evidence only). Condition: Lung cancer. Review status: no classification provided. Collection method: in vitro. Allele origin: not applicable. Functional consequence: retained intron. Not counted in ClinVar's aggregate classification.

Dr. Peter K. Rogan Lab, Western University
No classification provided (evidence only). Condition: Colon adenocarcinoma. Review status: no classification provided. Collection method: in vitro. Allele origin: not applicable. Functional consequence: retained intron. Not counted in ClinVar's aggregate classification.

Dr. Peter K. Rogan Lab, Western University
No classification provided (evidence only). Condition: Colon adenocarcinoma. Review status: no classification provided. Collection method: in vitro. Allele origin: not applicable. Functional consequence: retained intron. Not counted in ClinVar's aggregate classification.

Dr. Peter K. Rogan Lab, Western University
No classification provided (evidence only). Condition: Colon adenocarcinoma. Review status: no classification provided. Collection method: in vitro. Allele origin: not applicable. Functional consequence: retained intron. Not counted in ClinVar's aggregate classification.

Dr. Peter K. Rogan Lab, Western University
No classification provided (evidence only). Condition: Colon adenocarcinoma. Review status: no classification provided. Collection method: in vitro. Allele origin: not applicable. Functional consequence: retained intron. Not counted in ClinVar's aggregate classification.

Dr. Peter K. Rogan Lab, Western University
No classification provided (evidence only). Condition: Colon adenocarcinoma. Review status: no classification provided. Collection method: in vitro. Allele origin: not applicable. Functional consequence: retained intron. Not counted in ClinVar's aggregate classification.

Dr. Peter K. Rogan Lab, Western University
No classification provided (evidence only). Condition: Colon adenocarcinoma. Review status: no classification provided. Collection method: in vitro. Allele origin: not applicable. Functional consequence: retained intron. Not counted in ClinVar's aggregate classification.

Dr. Peter K. Rogan Lab, Western University
No classification provided (evidence only). Condition: Colorectal cancer. Review status: no classification provided. Collection method: in vitro. Allele origin: not applicable. Functional consequence: retained intron. Not counted in ClinVar's aggregate classification.

Dr. Peter K. Rogan Lab, Western University
No classification provided (evidence only). Condition: Uterine corpus endometrial carcinoma. Review status: no classification provided. Collection method: in vitro. Allele origin: not applicable. Functional consequence: retained intron. Not counted in ClinVar's aggregate classification.

Dr. Peter K. Rogan Lab, Western University
No classification provided (evidence only). Condition: Cervical cancer. Review status: no classification provided. Collection method: in vitro. Allele origin: not applicable. Functional consequence: retained intron. Not counted in ClinVar's aggregate classification.

Dr. Peter K. Rogan Lab, Western University
No classification provided (evidence only). Condition: Malignant lymphoma, large B-cell, diffuse. Review status: no classification provided. Collection method: in vitro. Allele origin: not applicable. Functional consequence: retained intron. Not counted in ClinVar's aggregate classification.

Dr. Peter K. Rogan Lab, Western University
No classification provided (evidence only). Condition: Malignant lymphoma, large B-cell, diffuse. Review status: no classification provided. Collection method: in vitro. Allele origin: not applicable. Functional consequence: retained intron. Not counted in ClinVar's aggregate classification.

Dr. Peter K. Rogan Lab, Western University
No classification provided (evidence only). Condition: Thymoma. Review status: no classification provided. Collection method: in vitro. Allele origin: not applicable. Functional consequence: retained intron. Not counted in ClinVar's aggregate classification.

Dr. Peter K. Rogan Lab, Western University
No classification provided (evidence only). Condition: Uterine carcinosarcoma. Review status: no classification provided. Collection method: in vitro. Allele origin: not applicable. Functional consequence: retained intron. Not counted in ClinVar's aggregate classification.

Dr. Peter K. Rogan Lab, Western University
No classification provided (evidence only). Condition: Malignant tumor of esophagus. Review status: no classification provided. Collection method: in vitro. Allele origin: not applicable. Functional consequence: retained intron. Not counted in ClinVar's aggregate classification.

Dr. Peter K. Rogan Lab, Western University
No classification provided (evidence only). Condition: Malignant tumor of esophagus. Review status: no classification provided. Collection method: in vitro. Allele origin: not applicable. Functional consequence: retained intron. Not counted in ClinVar's aggregate classification.

Dr. Peter K. Rogan Lab, Western University
No classification provided (evidence only). Condition: Malignant tumor of esophagus. Review status: no classification provided. Collection method: in vitro. Allele origin: not applicable. Functional consequence: retained intron. Not counted in ClinVar's aggregate classification.

Dr. Peter K. Rogan Lab, Western University
No classification provided (evidence only). Condition: Malignant tumor of esophagus. Review status: no classification provided. Collection method: in vitro. Allele origin: not applicable. Functional consequence: retained intron. Not counted in ClinVar's aggregate classification.

Dr. Peter K. Rogan Lab, Western University
No classification provided (evidence only). Condition: Malignant tumor of esophagus. Review status: no classification provided. Collection method: in vitro. Allele origin: not applicable. Functional consequence: retained intron. Not counted in ClinVar's aggregate classification.

Dr. Peter K. Rogan Lab, Western University
No classification provided (evidence only). Condition: Malignant tumor of esophagus. Review status: no classification provided. Collection method: in vitro. Allele origin: not applicable. Functional consequence: retained intron. Not counted in ClinVar's aggregate classification.

Dr. Peter K. Rogan Lab, Western University
No classification provided (evidence only). Condition: Hepatocellular carcinoma. Review status: no classification provided. Collection method: in vitro. Allele origin: not applicable. Functional consequence: retained intron. Not counted in ClinVar's aggregate classification.

Dr. Peter K. Rogan Lab, Western University
No classification provided (evidence only). Condition: Hepatocellular carcinoma. Review status: no classification provided. Collection method: in vitro. Allele origin: not applicable. Functional consequence: retained intron. Not counted in ClinVar's aggregate classification.

Dr. Peter K. Rogan Lab, Western University
No classification provided (evidence only). Condition: Hepatocellular carcinoma. Review status: no classification provided. Collection method: in vitro. Allele origin: not applicable. Functional consequence: retained intron. Not counted in ClinVar's aggregate classification.

Dr. Peter K. Rogan Lab, Western University
No classification provided (evidence only). Condition: Hepatocellular carcinoma. Review status: no classification provided. Collection method: in vitro. Allele origin: not applicable. Functional consequence: retained intron. Not counted in ClinVar's aggregate classification.

Dr. Peter K. Rogan Lab, Western University
No classification provided (evidence only). Condition: Ovarian cancer. Review status: no classification provided. Collection method: in vitro. Allele origin: not applicable. Functional consequence: retained intron. Not counted in ClinVar's aggregate classification.

NM_000358.3(TGFBI):c.1411-3C>T

Gene: TGFBI (transforming growth factor beta induced; plus strand). Cytogenetic location: 5q31.1.
Variant type: single nucleotide variant.
Coding change: c.1411-3C>T on transcript NM_000358.3 (MANE Select); 3 bases into the intron before coding-DNA position 1411, C replaced by T.
Molecular consequence: intron variant.
Genome position (GRCh38, 1-based): chr5:136,055,677, C>T. VCF-style: chr5-136055677-C-T. GRCh37 (hg19) VCF-style: chr5-135391366-C-T.
Identifiers: ClinVar variation 350888 (VCV000350888.10), dbSNP rs11242308, ClinGen allele CA3420386.
Genomic context (GRCh38, chr5:136,055,677, plus strand): 5'-AATCAGGAGGCCCCTCGTGGAAGTATAACCAGTCCTTTCTTTCTCTGTCCCTCTTCTGTG[C>T]AGAGCCTCTGCATTGAGAACAGCTGCATCGCGGCCCACGACAAGAGGGGGAGGTACGGGA-3'